The following is an entry in ClinVar:

ClinVar aggregate classification (germline): Pathogenic (1 of 4 stars; one submission).

Submission:

Labcorp Genetics (formerly Invitae), Labcorp
Classification: Pathogenic. Last evaluated: 2019-11-05. Review status: criteria provided, single submitter. Criteria: Invitae Variant Classification Sherloc (09022015). Collection method: clinical testing. Allele origin: germline.
Comment: This variant is a gross deletion of the genomic region encompassing exons 7-11 of the CNGA1 gene. The 5' boundary is likely confined to intron 6. The 3' end of this event is unknown as it extends through the termination codon beyond the assayed region for this gene and may encompass additional genes. While this deletion is not anticipated to result in nonsense mediated decay, it is expected to create a truncated protein product or disrupt mRNA translation. This variant has been observed in individual(s) with inherited retinal dystrophy (Invitae). In at least one individual the data is consistent with the variant being in trans (on the opposite chromosome) from a pathogenic variant. This variant disrupts the p.Ser320 amino acid residue in CNGA1. Other variant(s) that disrupt this residue have been determined to be pathogenic (PMID: 7479749, 24265693, 25326637). This suggests that this residue is clinically significant, and that variants that disrupt this residue are likely to be disease-causing. For these reasons, this variant has been classified as Pathogenic.

Literature cited by the submitters: PubMed 7479749; PubMed 24265693; PubMed 25326637.

NC_000004.12:g.(?_47936421)_(47943412_?)del

Gene: CNGA1 (cyclic nucleotide gated channel subunit alpha 1; minus strand). Cytogenetic location: 4p12.
Variant type: Deletion.
Identifiers: ClinVar variation 831025 (VCV000831025.1).